The following is an entry in ClinVar:

ClinVar aggregate classification (germline): Uncertain significance (1 of 4 stars; one submission).

Conditions:
Familial isolated arrhythmogenic right ventricular dysplasia. Identifiers: Orphanet 217656, MedGen C4274968, MONDO:0016342.

gnomAD v4.1: 1 of 1,613,994 alleles (0.000062%); highest among the groups gnomAD compares: Non-Finnish European, 0.000085%; no homozygotes.

Submission:

All of Us Research Program, National Institutes of Health
Classification: Uncertain significance for Familial isolated arrhythmogenic right ventricular dysplasia. Last evaluated: 2024-07-20. Review status: criteria provided, single submitter. Criteria: ACMG Guidelines, 2015. Collection method: clinical testing. Allele origin: germline. Inheritance: Autosomal dominant inheritance. Observed: 1 variant allele, 1 heterozygote.
Comment: This variant changes 1 nucleotide in exon 5/16 of the DSC2 gene, creating a premature translation stop signal. This variant is expected to result in an absent or non-functional protein product. To our knowledge, this variant has not been reported in individuals affected with DSC2-related disorders in the literature. This variant has not been identified in the general population by the Genome Aggregation Database (gnomAD). Although there is a suspicion for a pathogenic role, the clinical relevance of loss-of-function DSC2 truncation and splice variants in autosomal dominant arrhythmogenic cardiomyopathy is not yet clearly established. The available evidence is insufficient to determine the role of this variant in disease conclusively. Therefore, this variant is classified as a Variant of Uncertain Significance.

This study involves interpretation of variants in research participants for the purpose of population health screening. Participant phenotype was not available at the time of variant classification. Additional details can be found in publication PMID: 35346344, PMCID: PMC8962531

NM_024422.6(DSC2):c.565G>T (p.Glu189Ter)

Gene: DSC2 (desmocollin 2; minus strand). Cytogenetic location: 18q12.1.
Variant type: single nucleotide variant.
Coding change: c.565G>T on transcript NM_024422.6 (MANE Select); coding-DNA position 565, G replaced by T.
Protein change: p.Glu189Ter; replaces glutamic acid 189 with a stop codon.
Molecular consequence: nonsense.
Genome position (GRCh38, 1-based): chr18:31,089,504, C>A on the plus strand (G>T on the coding strand, the complement: DSC2 is on the minus strand). VCF-style: chr18-31089504-C-A. GRCh37 (hg19) VCF-style: chr18-28669467-C-A.
Other names: c.136G>T, p.Glu46Ter (NM_001406506.1, NM_001406507.1); c.565G>T, p.Glu189Ter (NM_004949.5); short protein forms E189*, E46*.
Identifiers: ClinVar variation 3386548 (VCV003386548.1).
Genomic context (GRCh38, chr18:31,089,504, plus strand): 5'-AAGATTCATACTGCTCACGATCTACAGGACGAGTACAATACAAGTTTCCAGTGTCTCTCT[C>A]CACATAAAATAAATTCCGAGGTTCTTGGTCAACTCCAGGACCTCTTATGGAATAGTATAT-3'